The following is an entry in ClinVar:

ClinVar aggregate classification (germline): Likely pathogenic (1 of 4 stars; one submission).

Submission:

Labcorp Genetics (formerly Invitae), Labcorp
Classification: Likely pathogenic. Last evaluated: 2025-10-11. Review status: criteria provided, single submitter. Criteria: Invitae Variant Classification Sherloc (09022015). Collection method: clinical testing. Allele origin: germline.
Comment: This sequence change replaces isoleucine, which is neutral and non-polar, with phenylalanine, which is neutral and non-polar, at codon 317 of the ALPL protein (p.Ile317Phe). This variant is not present in population databases (gnomAD no frequency). This missense change has been observed in individual(s) with clinical features of hypophosphatasia (internal data). It has also been observed to segregate with disease in related individuals. ClinVar contains an entry for this variant (Variation ID: 960105). Invitae Evidence Modeling of protein sequence and biophysical properties (such as structural, functional, and spatial information, amino acid conservation, physicochemical variation, residue mobility, and thermodynamic stability) indicates that this missense variant is expected to disrupt ALPL protein function with a positive predictive value of 95%. In summary, the currently available evidence indicates that the variant is pathogenic, but additional data are needed to prove that conclusively. Therefore, this variant has been classified as Likely Pathogenic.

NM_000478.6(ALPL):c.949A>T (p.Ile317Phe)

Gene: ALPL (alkaline phosphatase, biomineralization associated; plus strand). Cytogenetic location: 1p36.12.
Variant type: single nucleotide variant.
Coding change: c.949A>T on transcript NM_000478.6 (MANE Select); coding-DNA position 949, A replaced by T.
Protein change: p.Ile317Phe; replaces isoleucine 317 with phenylalanine.
Molecular consequence: missense variant.
Genome position (GRCh38, 1-based): chr1:21,573,751, A>T. VCF-style: chr1-21573751-A-T. GRCh37 (hg19) VCF-style: chr1-21900244-A-T.
Other names: c.784A>T, p.Ile262Phe (NM_001127501.4); c.718A>T, p.Ile240Phe (NM_001177520.3); c.949A>T, p.Ile317Phe (NM_001369803.2, NM_001369804.2, NM_001369805.2); short protein forms I240F, I317F, I262F.
Identifiers: ClinVar variation 960105 (VCV000960105.8), dbSNP rs1644686464, ClinGen allele CA338880345.
Genomic context (GRCh38, chr1:21,573,751, plus strand): 5'-TACGAGCTGAACAGGAACAACGTGACGGACCCGTCACTCTCCGAGATGGTGGTGGTGGCC[A>T]TCCAGATCCTGCGGAAGAACCCCAAAGGCTTCTTCTTGCTGGTGGAAGGTAGGGACCCCG-3'
Protein context (NP_000469.3, residues 307-327): PSLSEMVVVA[Ile317Phe]QILRKNPKGF